The following is an entry in ClinVar:

ClinVar aggregate classification (germline): Pathogenic. Review status: reviewed by expert panel (3 of 4 stars). 3 submissions from 3 submitters: Pathogenic (1). 2 of the submissions do not count toward it. Last evaluated 2016-09-08.

Conditions:
Hereditary cancer-predisposing syndrome. Also called: Tumor predisposition; Hereditary Cancer Syndrome; Neoplastic Syndromes, Hereditary; Hereditary neoplastic syndrome. Identifiers: Orphanet 140162, MedGen C0027672, MeSH D009386, MONDO:0015356.
Breast-ovarian cancer, familial, susceptibility to, 2 (BROVCA2). Also called: BRCA2 Hereditary Breast and Ovarian Cancer. Identifiers: Orphanet 145, MedGen C2675520, MONDO:0012933, OMIM 612555. Disease mechanism: loss of function.

Submissions (3):

Evidence-based Network for the Interpretation of Germline Mutant Alleles (ENIGMA)
Classification: Pathogenic for Breast-ovarian cancer, familial, susceptibility to, 2. Last evaluated: 2016-09-08. Review status: reviewed by expert panel. Criteria: ENIGMA BRCA1/2 Classification Criteria (2015). Collection method: curation. Allele origin: germline.
Comment: Variant allele predicted to encode a truncated non-functional protein.

Ambry Genetics
Classification: Pathogenic for Hereditary cancer-predisposing syndrome. Last evaluated: 2024-07-10. Review status: criteria provided, single submitter. Criteria: Ambry Variant Classification Scheme 2023. Collection method: clinical testing. Allele origin: germline. Not counted in ClinVar's aggregate classification.
Comment: The c.2930_2940del11 pathogenic mutation, located in coding exon 10 of the BRCA2 gene, results from a deletion of 11 nucleotides at nucleotide positions 2930 to 2940, causing a translational frameshift with a predicted alternate stop codon (p.L977*). This variant is considered to be rare based on population cohorts in the Genome Aggregation Database (gnomAD). This alteration is expected to result in loss of function by premature protein truncation or nonsense-mediated mRNA decay. As such, this alteration is interpreted as a disease-causing mutation.

Breast Cancer Information Core (BIC) (BRCA2)
Classification: Pathogenic for Breast-ovarian cancer, familial 2. Last evaluated: 1999-06-22. Review status: no assertion criteria provided. Collection method: clinical testing. Allele origin: germline. Affected: yes. Observed: 2 variant alleles. Not counted in ClinVar's aggregate classification.

NM_000059.4(BRCA2):c.2930_2940del (p.Ser976_Leu977insTer)

Gene: BRCA2 (BRCA2 DNA repair associated; plus strand). Cytogenetic location: 13q13.1.
Variant type: Deletion.
Coding change: c.2930_2940del on transcript NM_000059.4 (MANE Select); coding-DNA positions 2930 to 2940, 11 bases deleted (TGAATATAGAT).
Protein change: p.Ser976_Leu977insTer.
Molecular consequence: nonsense.
Genome position (GRCh38, 1-based): chr13:32,337,285-32,337,295, TGAATATAGAT deleted; deleting any 11 consecutive bases within chr13:32,337,284-32,337,295 gives the same sequence; the c. name uses the placement nearest the transcript's 3' end. VCF-style (leftmost placement, unchanged base first): chr13-32337283-CTTGAATATAGA-C. GRCh37 (hg19) VCF-style: chr13-32911420-CTTGAATATAGA-C.
Other names: 3158del11; c.2930_2940delTGAATATAGAT (NM_000059.3); c.2930_2940del11 (NM_000059.3).
Identifiers: ClinVar variation 125999 (VCV000125999.3), dbSNP rs80359364, ClinGen allele CA016825.